The following is an entry in ClinVar:

ClinVar aggregate classification (germline): Benign/Likely benign. Review status: criteria provided, multiple submitters, no conflicts (2 of 4 stars). 12 submissions from 12 submitters: Benign (2); Likely benign (9). 1 of the submissions does not count toward it. Last evaluated 2026-06-01.

Conditions:
Hereditary nonpolyposis colorectal neoplasms. Identifiers: MedGen C0009405, MeSH D003123.
Hereditary cancer-predisposing syndrome. Also called: Tumor predisposition; Neoplastic Syndromes, Hereditary; Hereditary Cancer Syndrome; Hereditary neoplastic syndrome. Identifiers: Orphanet 140162, MedGen C0027672, MeSH D009386, MONDO:0015356.
Lynch syndrome 4 (LYNCH4). Also called: Hereditary non-polyposis colorectal cancer, type 4; Colorectal cancer, hereditary nonpolyposis, type 4. Identifiers: Orphanet 144, MedGen C1838333, MONDO:0013699, OMIM 614337. Disease mechanism: loss of function.
Malignant tumor of breast. Also called: Malignant breast neoplasm; Cancer breast. Identifiers: MedGen C0006142, MONDO:0007254. Disease mechanism: loss of function.

Allele frequency attached by ClinVar (database versions not stated): TOPMed 0.00002; gnomAD 0.00004; gnomAD exomes 0.00004 and 0.00007; ExAC 0.00017.
gnomAD v4.1: 58 of 1,584,426 alleles (0.0037%); highest among the groups gnomAD compares: Non-Finnish European, 0.0047%; no homozygotes.

Submissions (12):

CeGaT Center for Human Genetics Tuebingen
Classification: Likely benign. Last evaluated: 2026-06-01. Review status: criteria provided, single submitter. Criteria: CeGaT Center For Human Genetics Tuebingen Variant Classification Criteria Version 2. Collection method: clinical testing. Allele origin: germline. Affected: yes. Observed: 1 variant allele.
Comment: PMS2: BP4, BP7

Labcorp Genetics (formerly Invitae), Labcorp
Classification: Likely benign for Hereditary nonpolyposis colorectal neoplasms. Last evaluated: 2026-01-26. Review status: criteria provided, single submitter. Criteria: Invitae Variant Classification Sherloc (09022015). Collection method: clinical testing. Allele origin: germline.

Myriad Genetics, Inc.
Classification: Benign for Lynch syndrome 4. Last evaluated: 2025-02-03. Review status: criteria provided, single submitter. Criteria: Myriad Autosomal Dominant, Autosomal Recessive and X-Linked Classification Criteria (2023). Collection method: clinical testing. Allele origin: unknown.
Comment: This variant is considered benign. This variant is a silent/synonymous amino acid change and it is not expected to impact splicing.

Institute for Biomarker Research, Medical Diagnostic Laboratories, L.L.C.
Classification: Likely benign for Hereditary cancer-predisposing syndrome. Last evaluated: 2025-01-15. Review status: criteria provided, single submitter. Criteria: ACMG Guidelines, 2015. Collection method: clinical testing. Allele origin: germline.
Comment: The synonymous variant NM_001322014.2(PMS2):c.2049C>T (p.Asn683=) has not been reported previously as a pathogenic variant, to our knowledge. The p.Asn683= variant is not predicted to disrupt an existing splice site. For these reasons, this variant has been classified as Likely Benign.

Blueprint Genetics
Classification: Likely benign. Last evaluated: 2024-08-06. Review status: criteria provided, single submitter. Criteria: ACMG Guidelines, 2015. Collection method: clinical testing. Allele origin: germline.

Quest Diagnostics Nichols Institute San Juan Capistrano
Classification: Likely benign. Last evaluated: 2024-02-07. Review status: criteria provided, single submitter. Criteria: Quest Diagnostics criteria. Collection method: clinical testing. Allele origin: unknown.

Color Diagnostics, LLC DBA Color Health
Classification: Likely benign for Hereditary cancer-predisposing syndrome. Last evaluated: 2021-11-19. Review status: criteria provided, single submitter. Criteria: ACMG Guidelines, 2015. Collection method: clinical testing. Allele origin: germline.

Sema4
Classification: Likely benign for Hereditary cancer-predisposing syndrome. Last evaluated: 2021-05-29. Review status: criteria provided, single submitter. Criteria: Sema4 Curation Guidelines. Collection method: curation. Allele origin: germline.

Women's Health and Genetics/Laboratory Corporation of America, LabCorp
Classification: Likely benign. Last evaluated: 2019-03-12. Review status: criteria provided, single submitter. Criteria: LabCorp Variant Classification Summary - May 2015. Collection method: clinical testing. Allele origin: germline.
Comment: Variant summary: PMS2 c.2049C>T alters a conserved nucleotide resulting in a synonymous change. 5/5 computational tools predict no significant impact on normal splicing. However, these predictions have yet to be confirmed by functional studies. The variant allele was found at a frequency of 6.3e-05 in 239440 control chromosomes. This frequency is not significantly higher than expected for a pathogenic variant in PMS2 causing Lynch Syndrome (6.3e-05 vs 0.00011), allowing no conclusion about variant significance. To our knowledge, no occurrence of c.2049C>T in individuals affected with Lynch Syndrome and no experimental evidence demonstrating its impact on protein function have been reported. No clinical diagnostic laboratories have submitted clinical-significance assessments for this variant to ClinVar after 2014. One laboratory in ClinVar has classified the variant as likely benign in 2014. Based upon our independent evaluation, no additional evidence supporting a pathogenic outcome have emerged between 2014 to present. Based on the evidence outlined above, the variant was classified as likely benign.

GeneDx
Classification: Benign. Last evaluated: 2015-05-11. Review status: criteria provided, single submitter. Criteria: GeneDx Variant Classification Process June 2021. Collection method: clinical testing. Allele origin: germline. Affected: yes.

Ambry Genetics
Classification: Likely benign for Hereditary cancer-predisposing syndrome. Last evaluated: 2014-06-03. Review status: criteria provided, single submitter. Criteria: Ambry Variant Classification Scheme 2023. Collection method: clinical testing. Allele origin: germline.

Department of Pathology and Laboratory Medicine, Sinai Health System
Classification: Likely benign for Malignant tumor of breast. Review status: no assertion criteria provided. Collection method: clinical testing. Allele origin: unknown. Affected: yes. Observed: 2 variant alleles. Study: The Canadian Open Genetics Repository (COGR). Not counted in ClinVar's aggregate classification.
Comment: The PMS2 p.Asn683=variant was not identified in the literature nor was it identified in the Cosmic, MutDB, Insight Colon Cancer Gene Variant, Zhejiang Colon Cancer, Mismatch Repair Genes Variant, and Insight Hereditary Tumors databases. The variant was identified the dbSNP (rs752950007) as â€šÃ„Ãºwith Likely benign, uncertain significance alleleâ€šÃ„Ã¹. The variant was also identified in ClinVar and in Clinvitae databases as likely benign by Ambry Genetics. The variant was identified in control databases in 15 of 239440 chromosomes at a frequency of 0.00006 increasing the likelihood that this may be a low frequency benign variant in certain populations of origin (Genome Aggregation Consortium Feb 27, 2017). The p.Asn683=variant is not expected to have clinical significance because it does not result in a change of amino acid and is not located in a known consensus splice site. In addition, in silico or computational prediction software programs (SpliceSiteFinder, MaxEntScan, NNSPLICE, GeneSplicer, HumanSpliceFinder) do not predict a difference in splicing. In summary, based on the above information the clinical significance of this variant cannot be determined with certainty at this time although we would lean towards a more benign role for this variant. This variant is classified as likely benign.

NM_000535.7(PMS2):c.2049C>T (p.Asn683=)

Gene: PMS2 (PMS1 homolog 2, mismatch repair system component; minus strand). Cytogenetic location: 7p22.1.
Variant type: single nucleotide variant.
Coding change: c.2049C>T on transcript NM_000535.7 (MANE Select); coding-DNA position 2049, C replaced by T.
Protein change: p.Asn683=; no amino-acid change (asparagine 683 retained).
Molecular consequence: synonymous variant. On other transcripts: non-coding transcript variant (1).
Genome position (GRCh38, 1-based): chr7:5,982,949, G>A on the plus strand (C>T on the coding strand, the complement: PMS2 is on the minus strand). VCF-style: chr7-5982949-G-A. GRCh37 (hg19) VCF-style: chr7-6022580-G-A.
Other names: c.1644C>T, p.Asn548= (NM_001322003.2, NM_001322004.2, NM_001322005.2 and 1 more transcripts); c.1893C>T, p.Asn631= (NM_001322006.2); c.1731C>T, p.Asn577= (NM_001322007.2, NM_001322008.2); c.1488C>T, p.Asn496= (NM_001322010.2); c.1116C>T, p.Asn372= (NM_001322011.2, NM_001322012.2); c.1476C>T, p.Asn492= (NM_001322013.2); c.2049C>T, p.Asn683= (NM_001322014.2); c.1740C>T, p.Asn580= (NM_001322015.2).
Identifiers: ClinVar variation 184622 (VCV000184622.32), dbSNP rs752950007, ClinGen allele CA010755.